The following is an entry in ClinVar:

NM_000016.6(ACADM):c.1208del (p.Thr403fs)

Gene: ACADM (acyl-CoA dehydrogenase medium chain; plus strand). Cytogenetic location: 1p31.1.
Variant type: Deletion.
Coding change: c.1208del on transcript NM_000016.6 (MANE Select); coding-DNA position 1208, one base deleted (C; older notation c.1208delC).
Protein change: p.Thr403fs; shifts the reading frame from threonine 403.
Molecular consequence: frameshift variant.
Genome position (GRCh38, 1-based): chr1:75,762,705, C deleted. VCF-style (leftmost placement, unchanged base first): chr1-75762704-AC-A. GRCh37 (hg19) VCF-style: chr1-76228389-AC-A.
Other names: c.1208delC, p.Thr403Ilefs (NM_000016.5); c.1220del, p.Thr407fs (NM_001127328.3); c.1100del, p.Thr367fs (NM_001286042.2); c.1307del, p.Thr436fs (NM_001286043.2); c.641del, p.Thr214fs (NM_001286044.2); short protein forms T214fs, T367fs, T403fs, T407fs, T436fs.
Identifiers: ClinVar variation 4817459 (VCV004817459.1).

ClinVar aggregate classification (germline): Likely pathogenic (1 of 4 stars; one submission).

Conditions:
Medium-chain acyl-coenzyme A dehydrogenase deficiency (ACADMD). Also called: ACADM DEFICIENCY; CARNITINE DEFICIENCY SECONDARY TO MEDIUM-CHAIN ACYL-CoA DEHYDROGENASE DEFICIENCY; Medium chain acyl-CoA dehydrogenase deficiency; MCADH DEFICIENCY; MCADD; MCAD Deficiency. Identifiers: Orphanet 42, MedGen C0220710, MONDO:0008721, OMIM 201450.

Submission:

Natera, Inc.
Classification: Likely pathogenic for Medium Chain Acyl-CoA Dehydrogenase Deficiency. Last evaluated: 2025-09-05. Review status: criteria provided, single submitter. Criteria: Natera Variant Classification Schema (03/2026). Collection method: clinical testing. Allele origin: germline.
Comment: The c.1208del variant in ACADM is a frameshift variant predicted to shift the reading frame beginning at codon 403 and leads to a stop codon 9 codons downstream. This variant is expected to result in nonsense mediated decay, truncation, or a dysfunctional protein product. This variant is rare in the general population with a frequency below the threshold expected for the associated phenotype(s). Given the available evidence, this variant is classified as Likely Pathogenic.